The following is an entry in ClinVar:

NM_006031.6(PCNT):c.6404C>T (p.Thr2135Met)

Gene: PCNT (pericentrin; plus strand). Cytogenetic location: 21q22.3.
Variant type: single nucleotide variant.
Coding change: c.6404C>T on transcript NM_006031.6 (MANE Select); coding-DNA position 6404, C replaced by T.
Protein change: p.Thr2135Met; replaces threonine 2135 with methionine.
Molecular consequence: missense variant.
Genome position (GRCh38, 1-based): chr21:46,416,322, C>T. VCF-style: chr21-46416322-C-T. GRCh37 (hg19) VCF-style: chr21-47836236-C-T.
Other names: c.6050C>T, p.Thr2017Met (NM_001315529.2); c.6404C>T (NM_006031.5); short protein forms T2135M, T2017M.
Identifiers: ClinVar variation 1391340 (VCV001391340.7), dbSNP rs145710874, ClinGen allele CA10080322.
Genomic context (GRCh38, chr21:46,416,322, plus strand): 5'-GTGACGGAGAAGAGCCTGACATATCACCCCACATAGACACATGTGATGCCAATACAGCCA[C>T]GGGGGGTGTAACTGATGTTATCAAAAATCAGGCCATAGACGCGTGTGATGCCAATACAAC-3'
Protein context (NP_006022.3, residues 2125-2145): HIDTCDANTA[Thr2135Met]GGVTDVIKNQ

ClinVar aggregate classification (germline): Uncertain significance. Review status: criteria provided, single submitter (1 of 4 stars). 2 submissions from 2 submitters: Uncertain significance (1). 1 of the submissions does not count toward it. Last evaluated 2025-04-14.

Conditions:
PCNT-related disorder. Also called: PCNT-related condition.

Allele frequency attached by ClinVar (database versions not stated): gnomAD exomes 0.00001; ExAC 0.00002; gnomAD 0.00004; ESP Exome Variant Server 0.00015.
gnomAD v4.1: 25 of 1,613,796 alleles (0.0015%); highest among the groups gnomAD compares: African/African-American, 0.008%; no homozygotes.

Submissions (2):

Labcorp Genetics (formerly Invitae), Labcorp
Classification: Uncertain significance. Last evaluated: 2025-04-14. Review status: criteria provided, single submitter. Criteria: Invitae Variant Classification Sherloc (09022015). Collection method: clinical testing. Allele origin: germline.
Comment: This sequence change replaces threonine, which is neutral and polar, with methionine, which is neutral and non-polar, at codon 2135 of the PCNT protein (p.Thr2135Met). This variant is present in population databases (rs145710874, gnomAD 0.007%). This variant has not been reported in the literature in individuals affected with PCNT-related conditions. ClinVar contains an entry for this variant (Variation ID: 1391340). An algorithm developed to predict the effect of missense changes on protein structure and function outputs the following: PolyPhen-2: "Benign". The methionine amino acid residue is found in multiple mammalian species, which suggests that this missense change does not adversely affect protein function. In summary, the available evidence is currently insufficient to determine the role of this variant in disease. Therefore, it has been classified as a Variant of Uncertain Significance.

PreventionGenetics, part of Exact Sciences
Classification: Uncertain significance for PCNT-related condition. Last evaluated: 2024-04-30. Review status: no assertion criteria provided. Collection method: clinical testing. Allele origin: germline. Not counted in ClinVar's aggregate classification.
Comment: The PCNT c.6404C>T variant is predicted to result in the amino acid substitution p.Thr2135Met. This variant has been reported in an individual with intracranial aneurysm (Sauvigny et al. 2020. PubMed ID: 32367296). This variant is reported in 0.0062% of alleles in individuals of African descent in gnomAD. At this time, the clinical significance of this variant is uncertain due to the absence of conclusive functional and genetic evidence.